The following is an entry in ClinVar:

ClinVar aggregate classification (germline): Uncertain significance. Review status: criteria provided, multiple submitters, no conflicts (2 of 4 stars). 2 submissions from 2 submitters: Uncertain significance (2). Last evaluated 2025-05-25.

Conditions:
Familial cancer of breast. Also called: hereditary breast carcinoma; Hereditary breast cancer; BREAST CANCER, FAMILIAL. Identifiers: Orphanet 227535, MedGen C0346153, MONDO:0016419, OMIM 114480. Disease mechanism: loss of function.
Fanconi anemia complementation group J. Also called: BRIP1-Related Fanconi Anemia. Identifiers: Orphanet 84, MedGen C1836860, MONDO:0012187, OMIM 609054.
Hereditary cancer-predisposing syndrome. Also called: Neoplastic Syndromes, Hereditary; Hereditary neoplastic syndrome; Hereditary Cancer Syndrome; Tumor predisposition. Identifiers: Orphanet 140162, MedGen C0027672, MeSH D009386, MONDO:0015356.

Allele frequency attached by ClinVar (database versions not stated): gnomAD exomes below 0.00001.
gnomAD v4.1: 1 of 1,613,348 alleles (0.000062%); highest among the groups gnomAD compares: South Asian, 0.0011%; no homozygotes.

Submissions (2):

Ambry Genetics
Classification: Uncertain significance for Hereditary cancer-predisposing syndrome. Last evaluated: 2025-05-25. Review status: criteria provided, single submitter. Criteria: Ambry Variant Classification Scheme 2023. Collection method: clinical testing. Allele origin: germline.
Comment: The p.C217Y variant (also known as c.650G>A), located in coding exon 6 of the BRIP1 gene, results from a G to A substitution at nucleotide position 650. The cysteine at codon 217 is replaced by tyrosine, an amino acid with highly dissimilar properties. This amino acid position is highly conserved in available vertebrate species. In addition, this alteration is predicted to be deleterious by in silico analysis. Based on the available evidence, the clinical significance of this variant remains unclear.

Labcorp Genetics (formerly Invitae), Labcorp
Classification: Uncertain significance for Familial cancer of breast; Fanconi anemia complementation group J. Last evaluated: 2022-12-24. Review status: criteria provided, single submitter. Criteria: Invitae Variant Classification Sherloc (09022015). Collection method: clinical testing. Allele origin: germline.
Comment: This sequence change replaces cysteine, which is neutral and slightly polar, with tyrosine, which is neutral and polar, at codon 217 of the BRIP1 protein (p.Cys217Tyr). This variant is not present in population databases (gnomAD no frequency). This variant has not been reported in the literature in individuals affected with BRIP1-related conditions. ClinVar contains an entry for this variant (Variation ID: 999650). Advanced modeling of protein sequence and biophysical properties (such as structural, functional, and spatial information, amino acid conservation, physicochemical variation, residue mobility, and thermodynamic stability) has been performed at Invitae for this missense variant, however the output from this modeling did not meet the statistical confidence thresholds required to predict the impact of this variant on BRIP1 protein function. In summary, the available evidence is currently insufficient to determine the role of this variant in disease. Therefore, it has been classified as a Variant of Uncertain Significance.

NM_032043.3(BRIP1):c.650G>A (p.Cys217Tyr)

Gene: BRIP1 (BRCA1 interacting DNA helicase 1; minus strand). Cytogenetic location: 17q23.2.
Variant type: single nucleotide variant.
Coding change: c.650G>A on transcript NM_032043.3 (MANE Select); coding-DNA position 650, G replaced by A.
Protein change: p.Cys217Tyr; replaces cysteine 217 with tyrosine.
Molecular consequence: missense variant.
Genome position (GRCh38, 1-based): chr17:61,808,735, C>T on the plus strand (G>A on the coding strand, the complement: BRIP1 is on the minus strand). VCF-style: chr17-61808735-C-T. GRCh37 (hg19) VCF-style: chr17-59886096-C-T.
Other names: c.650G>A (NM_032043.2); short protein forms C217Y.
Identifiers: ClinVar variation 999650 (VCV000999650.10), dbSNP rs587782156, ClinGen allele CA400485207.